The following is an entry in ClinVar:

ClinVar aggregate classification (germline): Uncertain significance. Review status: criteria provided, multiple submitters, no conflicts (2 of 4 stars). 2 submissions from 2 submitters: Uncertain significance (2). Last evaluated 2024-06-25.

Conditions:
Cardiovascular phenotype. Identifiers: MedGen CN230736.
Hereditary cancer-predisposing syndrome. Also called: Neoplastic Syndromes, Hereditary; Tumor predisposition; Hereditary neoplastic syndrome; Hereditary Cancer Syndrome. Identifiers: Orphanet 140162, MedGen C0027672, MeSH D009386, MONDO:0015356.
Neurofibromatosis, type 1 (NF1). Also called: Peripheral type neurofibromatosis; VON RECKLINGHAUSEN DISEASE; NEUROFIBROMATOSIS, TYPE I, SOMATIC; Neurofibromatosis, type I. Identifiers: Orphanet 636, MedGen C0027831, MONDO:0018975, OMIM 162200. Disease mechanism: loss of function.

Submissions (2):

Labcorp Genetics (formerly Invitae), Labcorp
Classification: Uncertain significance for Neurofibromatosis, type 1. Last evaluated: 2024-06-25. Review status: criteria provided, single submitter. Criteria: Invitae Variant Classification Sherloc (09022015). Collection method: clinical testing. Allele origin: germline.
Comment: This sequence change replaces serine, which is neutral and polar, with asparagine, which is neutral and polar, at codon 2626 of the NF1 protein (p.Ser2626Asn). This variant is not present in population databases (gnomAD no frequency). This variant has not been reported in the literature in individuals affected with NF1-related conditions. ClinVar contains an entry for this variant (Variation ID: 1760980). Advanced modeling of protein sequence and biophysical properties (such as structural, functional, and spatial information, amino acid conservation, physicochemical variation, residue mobility, and thermodynamic stability) has been performed at Invitae for this missense variant, however the output from this modeling did not meet the statistical confidence thresholds required to predict the impact of this variant on NF1 protein function. In summary, the available evidence is currently insufficient to determine the role of this variant in disease. Therefore, it has been classified as a Variant of Uncertain Significance.

Ambry Genetics
Classification: Uncertain significance for Cardiovascular phenotype; Hereditary cancer-predisposing syndrome. Last evaluated: 2020-01-02. Review status: criteria provided, single submitter. Criteria: Ambry Variant Classification Scheme 2023. Collection method: clinical testing. Allele origin: germline.
Comment: The p.S2626N variant (also known as c.7877G>A), located in coding exon 53 of the NF1 gene, results from a G to A substitution at nucleotide position 7877. The serine at codon 2626 is replaced by asparagine, an amino acid with highly similar properties. This amino acid position is highly conserved in available vertebrate species. In addition, the in silico prediction for this alteration is inconclusive. Since supporting evidence is limited at this time, the clinical significance of this alteration remains unclear.

NM_001042492.3(NF1):c.7940G>A (p.Ser2647Asn)

Gene: NF1 (neurofibromin 1; plus strand). Cytogenetic location: 17q11.2.
Variant type: single nucleotide variant.
Coding change: c.7940G>A on transcript NM_001042492.3 (MANE Select); coding-DNA position 7940, G replaced by A.
Protein change: p.Ser2647Asn; replaces serine 2647 with asparagine.
Molecular consequence: missense variant.
Genome position (GRCh38, 1-based): chr17:31,357,339, G>A. VCF-style: chr17-31357339-G-A. GRCh37 (hg19) VCF-style: chr17-29684357-G-A.
Other names: c.7877G>A, p.Ser2626Asn (NM_000267.4); short protein forms S2626N, S2647N.
Identifiers: ClinVar variation 1760980 (VCV001760980.4), dbSNP rs2151583377, ClinGen allele CA399203505.
Genomic context (GRCh38, chr17:31,357,339, plus strand): 5'-TAAAATATACCACAGATGAGTTTGATCAACGAATTCTTTATGAATACTTAGCAGAGGCCA[G>A]TGTTGTGTTTCCCAAAGTCTTTCCTGTTGTGTAAGTATCTCCTTTTGATTTTAATTCACC-3'
Protein context (NP_001035957.1, residues 2637-2657): RILYEYLAEA[Ser2647Asn]VVFPKVFPVV